The following continues an entry in ClinVar:

NM_002693.3(POLG):c.1399G>A (p.Ala467Thr)

Gene: POLG. ClinVar aggregate classification (germline): Pathogenic/Likely pathogenic. Pathogenic (47); Likely pathogenic (1).

Literature cited by the submitters, continued: PubMed 26104464 (cited by 4 submitters); PubMed 19578034 (cited by Victorian Clinical Genetics Services, Murdoch Childrens Research Institute and Baylor Genetics); PubMed 30451971 (cited by Victorian Clinical Genetics Services, Murdoch Childrens Research Institute); PubMed 16634032 (cited by Variantyx, Inc.); PubMed 19566497 (cited by Variantyx, Inc.); PubMed 24725338 (cited by 4 submitters); PubMed 34062649 (cited by Variantyx, Inc.); PubMed 30843307 (cited by Variantyx, Inc.); PubMed 18195151 (cited by Variantyx, Inc.); PubMed 30167885 (cited by Athena Diagnostics and AiLife Diagnostics); PubMed 30423451 (cited by Athena Diagnostics and AiLife Diagnostics); PubMed 29588995 (cited by 3 submitters); PubMed 29655203 (cited by Athena Diagnostics and AiLife Diagnostics); PubMed 28771251 (cited by 3 submitters); PubMed 30369941 (cited by Athena Diagnostics and AiLife Diagnostics); PubMed 18500570 (cited by 3 submitters); PubMed 24272679 (cited by 3 submitters); PubMed 27422324 (cited by Athena Diagnostics and AiLife Diagnostics); PubMed 31440721 (cited by Athena Diagnostics); PubMed 34732400 (cited by Athena Diagnostics); PubMed 34490615 (cited by Athena Diagnostics); PubMed 33473333 (cited by Athena Diagnostics and AiLife Diagnostics); PubMed 34782754 (cited by Athena Diagnostics and Equipe Genetique des Anomalies du Developpement, Université de Bourgogne); PubMed 34052969 (cited by Athena Diagnostics); PubMed 35350396 (cited by Athena Diagnostics); PubMed 36065636 (cited by Athena Diagnostics); PubMed 35860755 (cited by Athena Diagnostics); PubMed 36342673 (cited by Athena Diagnostics); PubMed 35641312 (cited by Athena Diagnostics); PubMed 36658419 (cited by Athena Diagnostics); PubMed 36703500 (cited by Athena Diagnostics); PubMed 15824347 (cited by 7 submitters); PubMed 18546343 (cited by 3 submitters); PubMed 18783964 (cited by 3 submitters); PubMed 21686371 (cited by 4 submitters); PubMed 19501198 (cited by 3 submitters); PubMed 19813183 (cited by 3 submitters); PubMed 19766516 (cited by 3 submitters); PubMed 20138553 (cited by 4 submitters); PubMed 19538466 (cited by 3 submitters); PubMed 23430834 (cited by 4 submitters); PubMed 22616202 (cited by 3 submitters); PubMed 20576279 (cited by 4 submitters); PubMed 20837861 (cited by 4 submitters); PubMed 21515089 (cited by 5 submitters); PubMed 21647632 (cited by 4 submitters); PubMed 21993618 (cited by 4 submitters); PubMed 22006280 (cited by 4 submitters); PubMed 22189570 (cited by 4 submitters); PubMed 22342071 (cited by 4 submitters); PubMed 23212759 (cited by 4 submitters); PubMed 23448099 (cited by 5 submitters); PubMed 17438011 (cited by Athena Diagnostics); PubMed 16638794 (cited by Athena Diagnostics and Illumina Laboratory Services, Illumina); PubMed 23250882 (cited by Athena Diagnostics); PubMed 17426723 (cited by Athena Diagnostics and OMIM); PubMed 22711370 (cited by Athena Diagnostics); PubMed 16368709 (cited by 3 submitters); PubMed 16177225 (cited by Athena Diagnostics and OMIM); PubMed 21235791 (cited by 3 submitters); PubMed 20142534 (cited by Athena Diagnostics); PubMed 27987238 (cited by 3 submitters); PubMed 16896309 (cited by Women's Health and Genetics/Laboratory Corporation of America, LabCorp); PubMed 14694057 (cited by Women's Health and Genetics/Laboratory Corporation of America, LabCorp and OMIM); PubMed 22995991 (cited by AiLife Diagnostics and Undiagnosed Diseases Network, NIH); PubMed 20818383 (cited by 3 submitters); PubMed 31589614 (cited by AiLife Diagnostics); PubMed 22931735 (cited by AiLife Diagnostics and Undiagnosed Diseases Network, NIH); PubMed 23783014 (cited by AiLife Diagnostics and Undiagnosed Diseases Network, NIH); PubMed 31980526 (cited by AiLife Diagnostics); PubMed 33726816 (cited by AiLife Diagnostics); PubMed 15689359 (cited by Laboratory for Molecular Medicine, Mass General Brigham Personalized Medicine); PubMed 28812649 (cited by Mitochondrial Research Group, Newcastle University); PubMed 19251978 (cited by OMIM); PubMed 12565911 (cited by OMIM); Van Broeckhoven, C. Personal Communication. 2004. Antwerp, Belgium (cited by OMIM); PubMed 11571332 (cited by OMIM); PubMed 16130100 (cited by OMIM); PubMed 632821 (cited by OMIM); PubMed 26942291 (cited by OMIM); PubMed 21276947 (cited by OMIM); PubMed 26942292 (cited by OMIM); NCBI Bookshelf NBK26471 (cited by GeneReviews); PubMed 37091313 (cited by Practice for Gait Abnormalities, David Pomarino, Competency Network Toe Walking C/o Practice Pomarino).